The following is an entry in ClinVar:

ClinVar aggregate classification (germline): Benign/Likely benign. Review status: criteria provided, multiple submitters, no conflicts (2 of 4 stars). 3 submissions from 3 submitters: Benign (1); Likely benign (2). Last evaluated 2025-08-12.

Conditions:
SLC24A1-related disorder. Also called: SLC24A1-related condition.

Allele frequency attached by ClinVar (database versions not stated): gnomAD 0.00001 and 0.00009; TOPMed 0.00005; gnomAD exomes 0.00014 and 0.00027; 1000 Genomes Project 0.00060; 1000 Genomes Project 30x 0.00062; ExAC 0.00081.
gnomAD v4.1: 210 of 1,568,892 alleles (0.013%); highest among the groups gnomAD compares: South Asian, 0.16%; 2 homozygotes.

Submissions (3):

PreventionGenetics, part of Exact Sciences
Classification: Likely benign for SLC24A1-related condition. Last evaluated: 2025-08-12. Review status: criteria provided, single submitter. Criteria: ACMG Guidelines, 2015. Collection method: clinical testing. Allele origin: germline.
Comment: This variant is classified as likely benign based on ACMG/AMP sequence variant interpretation guidelines (Richards et al. 2015 PMID: 25741868, with internal and published modifications).

Labcorp Genetics (formerly Invitae), Labcorp
Classification: Benign. Last evaluated: 2025-03-07. Review status: criteria provided, single submitter. Criteria: Invitae Variant Classification Sherloc (09022015). Collection method: clinical testing. Allele origin: germline.

Blueprint Genetics
Classification: Likely benign. Last evaluated: 2024-11-23. Review status: criteria provided, single submitter. Criteria: ACMG Guidelines, 2015. Collection method: clinical testing. Allele origin: germline.

NM_004727.3(SLC24A1):c.2054-9C>T

Gene: SLC24A1 (solute carrier family 24 member 1; plus strand). Cytogenetic location: 15q22.31.
Variant type: single nucleotide variant.
Coding change: c.2054-9C>T on transcript NM_004727.3 (MANE Select); 9 bases into the intron before coding-DNA position 2054, C replaced by T.
Molecular consequence: intron variant.
Genome position (GRCh38, 1-based): chr15:65,644,418, C>T. VCF-style: chr15-65644418-C-T. GRCh37 (hg19) VCF-style: chr15-65936756-C-T.
Other names: c.2054-9C>T (NM_004727.2, NM_001301031.1); c.2000-9C>T (NM_001301033.2, NM_001301032.1); c.35-9C>T (NM_001254740.2).
Identifiers: ClinVar variation 1168095 (VCV001168095.11), dbSNP rs181756009, ClinGen allele CA7620080.